The following is an entry in ClinVar:

NM_080680.3(COL11A2):c.3965C>T (p.Pro1322Leu)

Gene: COL11A2 (collagen type XI alpha 2 chain; minus strand). Cytogenetic location: 6p21.32.
Variant type: single nucleotide variant.
Coding change: c.3965C>T on transcript NM_080680.3 (MANE Select); coding-DNA position 3965, C replaced by T.
Protein change: p.Pro1322Leu; replaces proline 1322 with leucine.
Molecular consequence: missense variant.
Genome position (GRCh38, 1-based): chr6:33,167,848, G>A on the plus strand (C>T on the coding strand, the complement: COL11A2 is on the minus strand). VCF-style: chr6-33167848-G-A. GRCh37 (hg19) VCF-style: chr6-33135625-G-A.
Other names: c.3785C>T, p.Pro1262Leu (NM_001424108.1); c.3119C>T, p.Pro1040Leu (NM_001424109.1); c.2939C>T, p.Pro980Leu (NM_001424110.1, NM_001424111.1); c.1919C>T, p.Pro640Leu (NM_001424112.1); c.3644C>T, p.Pro1215Leu (NM_080679.3); c.3707C>T, p.Pro1236Leu (NM_080681.3); c.3965C>T (NM_080680.2); short protein forms P1236L, P980L, P1215L, P1262L, P1322L, P640L, P1040L.
Identifiers: ClinVar variation 2872971 (VCV002872971.4), dbSNP rs2534611475, ClinGen allele CA363624331.

ClinVar aggregate classification (germline): Uncertain significance. Review status: criteria provided, multiple submitters, no conflicts (2 of 4 stars). 2 submissions from 2 submitters: Uncertain significance (2). Last evaluated 2025-06-03.

Conditions:
Inborn genetic diseases. Identifiers: MedGen C0950123, MeSH D030342.

Allele frequency attached by ClinVar (database versions not stated): gnomAD exomes below 0.00001.
gnomAD v4.1: 1 of 1,612,902 alleles (0.000062%); highest among the groups gnomAD compares: Non-Finnish European, 0.000085%; no homozygotes.

Submissions (2):

Ambry Genetics
Classification: Uncertain significance for Inborn genetic diseases. Last evaluated: 2025-06-03. Review status: criteria provided, single submitter. Criteria: Ambry Variant Classification Scheme 2023. Collection method: clinical testing. Allele origin: germline.

Labcorp Genetics (formerly Invitae), Labcorp
Classification: Uncertain significance. Last evaluated: 2023-11-14. Review status: criteria provided, single submitter. Criteria: Invitae Variant Classification Sherloc (09022015). Collection method: clinical testing. Allele origin: germline.
Comment: This sequence change replaces proline, which is neutral and non-polar, with leucine, which is neutral and non-polar, at codon 1322 of the COL11A2 protein (p.Pro1322Leu). This variant is not present in population databases (gnomAD no frequency). This variant has not been reported in the literature in individuals affected with COL11A2-related conditions. Advanced modeling of protein sequence and biophysical properties (such as structural, functional, and spatial information, amino acid conservation, physicochemical variation, residue mobility, and thermodynamic stability) performed at Invitae indicates that this missense variant is not expected to disrupt COL11A2 protein function with a negative predictive value of 95%. In summary, the available evidence is currently insufficient to determine the role of this variant in disease. Therefore, it has been classified as a Variant of Uncertain Significance.